The following is an entry in ClinVar:

ClinVar aggregate classification (germline): Uncertain significance (1 of 4 stars; one submission).

Submission:

GeneDx
Classification: Uncertain significance. Last evaluated: 2024-12-02. Review status: criteria provided, single submitter. Criteria: GeneDx Variant Classification Process June 2021. Collection method: clinical testing. Allele origin: germline. Affected: yes.
Comment: In-frame deletion of 1 amino acid(s) in a non-repeat region; In silico analysis supports a deleterious effect on protein structure/function; Has not been previously published as pathogenic or benign to our knowledge

NM_001374828.1(ARID1B):c.4573_4575del (p.Glu1525del)

Gene: ARID1B (AT-rich interaction domain 1B; plus strand). Cytogenetic location: 6q25.3.
Variant type: Deletion.
Coding change: c.4573_4575del on transcript NM_001374828.1 (MANE Select); coding-DNA positions 4573 to 4575, 3 bases deleted (GAG; older notation c.4573_4575delGAG).
Protein change: p.Glu1525del; deletes glutamic acid 1525.
Molecular consequence: inframe deletion.
Genome position (GRCh38, 1-based): chr6:157,200,798-157,200,800, GAG deleted; deleting any 3 consecutive bases within chr6:157,200,796-157,200,800 gives the same sequence; the c. name uses the placement nearest the transcript's 3' end. VCF-style (leftmost placement, unchanged base first): chr6-157200795-CAGG-C. GRCh37 (hg19) VCF-style: chr6-157521929-CAGG-C.
Other names: c.4204_4206del (NM_020732.3); c.2074_2076del, p.Glu692del (NM_001363725.2); c.4453_4455del, p.Glu1485del (NM_001371656.1, NM_001374820.1); c.4414_4416del, p.Glu1472del (NM_017519.3); short protein forms E1472del, E1485del, E1525del, E692del.
Identifiers: ClinVar variation 1695474 (VCV001695474.3), dbSNP rs755476506, ClinGen allele CA4067656.